The following is an entry in ClinVar:

NM_006662.3(SRCAP):c.9674G>A (p.Gly3225Asp)

Gene: SRCAP (Snf2 related CREBBP activator protein; plus strand). Cytogenetic location: 16p11.2.
Variant type: single nucleotide variant.
Coding change: c.9674G>A on transcript NM_006662.3 (MANE Select); coding-DNA position 9674, G replaced by A.
Protein change: p.Gly3225Asp; replaces glycine 3225 with aspartic acid.
Molecular consequence: missense variant.
Genome position (GRCh38, 1-based): chr16:30,739,714, G>A. VCF-style: chr16-30739714-G-A. GRCh37 (hg19) VCF-style: chr16-30751035-G-A.
Other names: short protein forms G3225D.
Identifiers: ClinVar variation 2764859 (VCV002764859.3), dbSNP rs2543432807, ClinGen allele CA395645418.

ClinVar aggregate classification (germline): Uncertain significance (1 of 4 stars; one submission).

Submission:

Labcorp Genetics (formerly Invitae), Labcorp
Classification: Uncertain significance. Last evaluated: 2023-10-03. Review status: criteria provided, single submitter. Criteria: Invitae Variant Classification Sherloc (09022015). Collection method: clinical testing. Allele origin: germline.
Comment: This sequence change replaces glycine, which is neutral and non-polar, with aspartic acid, which is acidic and polar, at codon 3225 of the SRCAP protein (p.Gly3225Asp). This variant is not present in population databases (gnomAD no frequency). This variant has not been reported in the literature in individuals affected with SRCAP-related conditions. Advanced modeling of protein sequence and biophysical properties (such as structural, functional, and spatial information, amino acid conservation, physicochemical variation, residue mobility, and thermodynamic stability) performed at Invitae indicates that this missense variant is not expected to disrupt SRCAP protein function. In summary, the available evidence is currently insufficient to determine the role of this variant in disease. Therefore, it has been classified as a Variant of Uncertain Significance.